The following is an entry in ClinVar:

NC_000001.10:g.(?_235602064)_(235602257_?)dup

Gene: TBCE (tubulin folding cofactor E; plus strand). Cytogenetic location: 1q42.3.
Variant type: Duplication.
Identifiers: ClinVar variation 3247957 (VCV003247957.1).

ClinVar aggregate classification (germline): Likely pathogenic (1 of 4 stars; one submission).

Submission:

Labcorp Genetics (formerly Invitae), Labcorp
Classification: Likely pathogenic. Last evaluated: 2023-08-02. Review status: criteria provided, single submitter. Criteria: Invitae Variant Classification Sherloc (09022015). Collection method: clinical testing. Allele origin: unknown.
Comment: In summary, the currently available evidence indicates that the variant is pathogenic, but additional data are needed to prove that conclusively. Therefore, this variant has been classified as Likely Pathogenic. This variant has not been reported in the literature in individuals affected with TBCE-related conditions. This variant results in a copy number gain of the genomic region encompassing exon(s) 13 of the TBCE gene. While the exact position of this variant cannot be determined from the data, sub-genic copy number gains are generally in tandem (PMID: 25640679). This variant is predicted to be out-of-frame, and may result in an absent or disrupted protein product. Loss-of-function variants in TBCE are known to be pathogenic (PMID: 27666369, 34134906, 34356170).

Literature cited by the submitters: PubMed 25640679; PubMed 27666369; PubMed 34134906; PubMed 34356170.